The following is an entry in ClinVar:

NM_198075.4(LRRC56):c.424-9G>A

Gene: LRRC56 (leucine rich repeat containing 56; plus strand). Cytogenetic location: 11p15.5.
Variant type: single nucleotide variant.
Coding change: c.424-9G>A on transcript NM_198075.4 (MANE Select); 9 bases into the intron before coding-DNA position 424, G replaced by A.
Molecular consequence: intron variant.
Genome position (GRCh38, 1-based): chr11:550,063, G>A. VCF-style: chr11-550063-G-A. GRCh37 (hg19) VCF-style: chr11-550063-G-A.
Other names: c.424-9G>A (NM_198075.3).
Identifiers: ClinVar variation 1535836 (VCV001535836.11), dbSNP rs201091147, ClinGen allele CA5779704.
Genomic context (GRCh38, chr11:550,063, plus strand): 5'-GTCTGGGCACCCTGGGCTGGGGAGGCCTGGGCTGGGCCGGGCCCTGGCTCAGAGCCCCGC[G>A]CTGCCCAGGAACTCTACGCCTCCTACAACAACATCTCGGACCTGAGCCCACTGTGCCTGC-3'

ClinVar aggregate classification (germline): Benign/Likely benign. Review status: criteria provided, multiple submitters, no conflicts (2 of 4 stars). 3 submissions from 3 submitters: Benign (1); Likely benign (1). 1 of the submissions does not count toward it. Last evaluated 2026-01-21.

Conditions:
LRRC56-related disorder. Also called: LRRC56-related condition.
Ciliary dyskinesia, primary, 39. Also called: CILIARY DYSKINESIA, PRIMARY, 39, WITH OR WITHOUT SITUS INVERSUS. Identifiers: MedGen C4748841, MONDO:0032637, OMIM 618254.

Allele frequency attached by ClinVar (database versions not stated): gnomAD exomes 0.00142 and 0.00230; gnomAD 0.00147 and 0.00137; TOPMed 0.00147; 1000 Genomes Project 30x 0.00016; 1000 Genomes Project 0.00020; ExAC 0.00131; ESP Exome Variant Server 0.00161.
gnomAD v4.1: 3,498 of 1,611,480 alleles (0.22%); highest among the groups gnomAD compares: Non-Finnish European, 0.28%; 4 homozygotes.

Submissions (3):

Labcorp Genetics (formerly Invitae), Labcorp
Classification: Benign. Last evaluated: 2026-01-21. Review status: criteria provided, single submitter. Criteria: Invitae Variant Classification Sherloc (09022015). Collection method: clinical testing. Allele origin: germline.

Fulgent Genetics
Classification: Likely benign for Ciliary dyskinesia, primary, 39. Last evaluated: 2021-09-28. Review status: criteria provided, single submitter. Criteria: ACMG Guidelines, 2015. Collection method: clinical testing. Allele origin: unknown.

PreventionGenetics, part of Exact Sciences
Classification: Likely benign for LRRC56-related condition. Last evaluated: 2019-07-11. Review status: no assertion criteria provided. Collection method: clinical testing. Allele origin: germline. Not counted in ClinVar's aggregate classification.
Comment: This variant is classified as likely benign based on ACMG/AMP sequence variant interpretation guidelines (Richards et al. 2015 PMID: 25741868, with internal and published modifications).